The following is an entry in ClinVar:

NM_005475.3(SH2B3):c.1087C>A (p.Pro363Thr)

Gene: SH2B3 (SH2B adaptor protein 3; plus strand). Cytogenetic location: 12q24.12.
Variant type: single nucleotide variant.
Coding change: c.1087C>A on transcript NM_005475.3 (MANE Select); coding-DNA position 1087, C replaced by A.
Protein change: p.Pro363Thr; replaces proline 363 with threonine.
Molecular consequence: missense variant.
Genome position (GRCh38, 1-based): chr12:111,447,395, C>A. VCF-style: chr12-111447395-C-A. GRCh37 (hg19) VCF-style: chr12-111885199-C-A.
Other names: c.481C>A, p.Pro161Thr (NM_001291424.1); short protein forms P363T, P161T.
Identifiers: ClinVar variation 4824346 (VCV004824346.1).
Genomic context (GRCh38, chr12:111,447,395, plus strand): 5'-TCTCCTGGGGGGCTGCTGGACCCGGCCTGCCAGAAGACGGACCATTTCCTGTCCTGCTAC[C>A]CCTGGTTCCACGGCCCCATCTCCAGAGTGAAAGCAGCTCAGCTGGTTCAGCTGCAGGGCC-3'
Protein context (NP_005466.1, residues 353-373): QKTDHFLSCY[Pro363Thr]WFHGPISRVK

ClinVar aggregate classification (germline): Uncertain significance (1 of 4 stars; one submission).

Conditions:
Inborn genetic diseases. Identifiers: MedGen C0950123, MeSH D030342.

Submission:

Ambry Genetics
Classification: Uncertain significance for Inborn genetic diseases. Last evaluated: 2026-01-15. Review status: criteria provided, single submitter. Criteria: Ambry Variant Classification Scheme 2023. Collection method: clinical testing. Allele origin: germline.
Comment: The p.P363T variant (also known as c.1087C>A), located in coding exon 5 of the SH2B3 gene, results from a C to A substitution at nucleotide position 1087. The proline at codon 363 is replaced by threonine, an amino acid with highly similar properties. This amino acid position is conserved. In addition, this alteration is predicted to be deleterious by in silico analysis. Based on the available evidence, the clinical significance of this variant remains unclear.